The following is an entry in ClinVar:

NM_014844.5(TECPR2):c.3275C>T (p.Ser1092Leu)

Gene: TECPR2 (tectonin beta-propeller repeat containing 2; plus strand). Cytogenetic location: 14q32.31.
Variant type: single nucleotide variant.
Coding change: c.3275C>T on transcript NM_014844.5 (MANE Select); coding-DNA position 3275, C replaced by T.
Protein change: p.Ser1092Leu; replaces serine 1092 with leucine.
Molecular consequence: missense variant.
Genome position (GRCh38, 1-based): chr14:102,449,828, C>T. VCF-style: chr14-102449828-C-T. GRCh37 (hg19) VCF-style: chr14-102916165-C-T.
Other names: p.Ser1092Leu; c.3275C>T, p.Ser1092Leu (NM_001172631.3); c.3275C>T (NM_014844.4); short protein forms S1092L.
Identifiers: ClinVar variation 221132 (VCV000221132.67), dbSNP rs72700618, ClinGen allele CA348979.

ClinVar aggregate classification (germline): Benign/Likely benign. Review status: criteria provided, multiple submitters, no conflicts (2 of 4 stars). 14 submissions from 14 submitters: Benign (1); Likely benign (9). 4 of the submissions do not count toward it. Last evaluated 2026-06-01.

Conditions:
Inborn genetic diseases. Identifiers: MedGen C0950123, MeSH D030342.
TECPR2-related disorder. Also called: TECPR2-related condition.
Hereditary spastic paraplegia. Also called: Familial spastic paraparesis. Identifiers: Orphanet 685, MedGen C0037773, MONDO:0019064. Disease mechanism: loss of function.
Hereditary spastic paraplegia 49 (HSAN9). Also called: Spastic paraplegia 49, autosomal recessive; TECPR2-Related Hereditary Sensory and Autonomic Neuropathy with Intellectual Disability; NEUROPATHY, HEREDITARY SENSORY AND AUTONOMIC, TYPE IX, WITH DEVELOPMENTAL DELAY. Identifiers: Orphanet 320385, MedGen C5190860, MONDO:0014016, OMIM 615031.
Intellectual disability. Also called: Intellectual developmental disorder; Intellectual functioning disability; intellectual disabilities. Identifiers: MedGen C3714756, MeSH D008607, MONDO:0001071, HP:0001249.

Allele frequency attached by ClinVar (database versions not stated): ESP Exome Variant Server 0.00523; 1000 Genomes Project 0.00120; 1000 Genomes Project 30x 0.00125; gnomAD 0.00388; TOPMed 0.00424.
gnomAD v4.1: 9,483 of 1,614,062 alleles (0.59%); highest among the groups gnomAD compares: Non-Finnish European, 0.72%; 35 homozygotes.

Submissions (14):

CeGaT Center for Human Genetics Tuebingen
Classification: Likely benign. Last evaluated: 2026-06-01. Review status: criteria provided, single submitter. Criteria: CeGaT Center For Human Genetics Tuebingen Variant Classification Criteria Version 2. Collection method: clinical testing. Allele origin: germline. Affected: yes. Observed: 42 variant alleles.
Comment: TECPR2: BS2

Labcorp Genetics (formerly Invitae), Labcorp
Classification: Likely benign for Hereditary spastic paraplegia 49. Last evaluated: 2026-01-30. Review status: criteria provided, single submitter. Criteria: Invitae Variant Classification Sherloc (09022015). Collection method: clinical testing. Allele origin: germline.

Blueprint Genetics
Classification: Likely benign. Last evaluated: 2024-11-25. Review status: criteria provided, single submitter. Criteria: ACMG Guidelines, 2015. Collection method: clinical testing. Allele origin: germline.

Women's Health and Genetics/Laboratory Corporation of America, LabCorp
Classification: Likely benign. Last evaluated: 2024-05-08. Review status: criteria provided, single submitter. Criteria: LabCorp Variant Classification Summary - May 2015. Collection method: clinical testing. Allele origin: germline.
Comment: Variant summary: TECPR2 c.3275C>T (p.Ser1092Leu) results in a non-conservative amino acid change in the encoded protein sequence. Four of five in-silico tools predict a damaging effect of the variant on protein function. The variant allele was found at a frequency of 0.004 in 251446 control chromosomes in the gnomAD database, including 4 homozygotes. The observed variant frequency is approximately 4 fold of the estimated maximal expected allele frequency for a pathogenic variant in TECPR2 causing Hereditary Spastic Paraplegia, Type 49 phenotype (0.0011), strongly suggesting that the variant is benign. To our knowledge, no occurrence of c.3275C>T in individuals affected with Hereditary Spastic Paraplegia, Type 49 and no experimental evidence demonstrating its impact on protein function have been reported. ClinVar contains an entry for this variant (Variation ID: 221132). Based on the evidence outlined above, the variant was classified as likely benign.

Mayo Clinic Laboratories, Mayo Clinic
Classification: Benign. Last evaluated: 2022-10-27. Review status: criteria provided, single submitter. Criteria: ACMG Guidelines, 2015. Collection method: clinical testing. Allele origin: germline. Observed: 12 variant alleles.

Ambry Genetics
Classification: Likely benign for Inborn genetic diseases. Last evaluated: 2022-05-02. Review status: criteria provided, single submitter. Criteria: Ambry Variant Classification Scheme 2023. Collection method: clinical testing. Allele origin: germline.

Genome Diagnostics Laboratory, The Hospital for Sick Children
Classification: Likely benign for Hereditary spastic paraplegia. Last evaluated: 2020-07-09. Review status: criteria provided, single submitter. Criteria: ACMG Guidelines, 2015. Collection method: clinical testing. Allele origin: germline. Affected: yes.

Cambridge Genomics Laboratory, East Genomic Laboratory Hub, NHS Genomic Medicine Service
Classification: Likely benign for Intellectual disability. Last evaluated: 2019-09-03. Review status: criteria provided, single submitter. Criteria: ACGS Best Practice Guidelines for Variant Classification in Rare Disease 2020. Collection method: clinical testing. Allele origin: germline. Affected: yes. Observed: 1 variant allele.

GeneDx
Classification: Likely benign. Last evaluated: 2019-07-18. Review status: criteria provided, single submitter. Criteria: GeneDx Variant Classification Process June 2021. Collection method: clinical testing. Allele origin: germline. Affected: yes.

Breakthrough Genomics
Classification: Likely benign. Review status: criteria provided, single submitter. Criteria: ACMG Guidelines, 2015. Collection method: not provided. Allele origin: germline. Inheritance: Autosomal recessive inheritance. Affected: yes.

PreventionGenetics, part of Exact Sciences
Classification: Likely benign for TECPR2-related condition. Last evaluated: 2020-09-11. Review status: no assertion criteria provided. Collection method: clinical testing. Allele origin: germline. Not counted in ClinVar's aggregate classification.
Comment: This variant is classified as likely benign based on ACMG/AMP sequence variant interpretation guidelines (Richards et al. 2015 PMID: 25741868, with internal and published modifications).

Natera, Inc.
Classification: Benign for Autosomal recessive spastic paraplegia type 49. Last evaluated: 2019-12-10. Review status: no assertion criteria provided. Collection method: clinical testing. Allele origin: germline. Not counted in ClinVar's aggregate classification.

Clinical Genetics, Academic Medical Center
Classification: Likely benign. Review status: no assertion criteria provided. Collection method: clinical testing. Allele origin: germline. Affected: yes. Study: VKGL Data-share Consensus. Not counted in ClinVar's aggregate classification.

Laboratory of Diagnostic Genome Analysis, Leiden University Medical Center (LUMC)
Classification: Likely benign. Review status: no assertion criteria provided. Collection method: clinical testing. Allele origin: germline. Affected: yes. Study: VKGL Data-share Consensus. Not counted in ClinVar's aggregate classification.